The following is an entry in ClinVar:

ClinVar aggregate classification (germline): Uncertain significance (1 of 4 stars; one submission).

Submission:

Labcorp Genetics (formerly Invitae), Labcorp
Classification: Uncertain significance. Last evaluated: 2022-10-05. Review status: criteria provided, single submitter. Criteria: Invitae Variant Classification Sherloc (09022015). Collection method: clinical testing. Allele origin: germline.
Comment: In summary, the available evidence is currently insufficient to determine the role of this variant in disease. Therefore, it has been classified as a Variant of Uncertain Significance. Algorithms developed to predict the effect of missense changes on protein structure and function are either unavailable or do not agree on the potential impact of this missense change (SIFT: "Deleterious"; PolyPhen-2: "Probably Damaging"; Align-GVGD: "Class C0"). This variant has not been reported in the literature in individuals affected with TNS2-related conditions. This variant is not present in population databases (gnomAD no frequency). This sequence change replaces tyrosine, which is neutral and polar, with cysteine, which is neutral and slightly polar, at codon 145 of the TNS2 protein (p.Tyr145Cys).

NM_170754.4(TNS2):c.404A>G (p.Tyr135Cys)

Genes: TNS2 (tensin 2; plus strand), TNS2-AS1 (TNS2 antisense RNA 1; minus strand). Cytogenetic location: 12q13.13.
Variant type: single nucleotide variant.
Coding change: c.404A>G on transcript NM_170754.4 (MANE Select); coding-DNA position 404, A replaced by G.
Protein change: p.Tyr135Cys; replaces tyrosine 135 with cysteine.
Molecular consequence: missense variant. On other transcripts: non-coding transcript variant (1).
Genome position (GRCh38, 1-based): chr12:53,054,323, A>G. VCF-style: chr12-53054323-A-G. GRCh37 (hg19) VCF-style: chr12-53448107-A-G.
Other names: c.404A>G, p.Tyr135Cys (NM_001416202.1, NM_001416204.1); c.335A>G, p.Tyr112Cys (NM_001416203.1, NM_015319.3); c.32A>G, p.Tyr11Cys (NM_198316.2); short protein forms Y11C, Y135C, Y145C, Y112C.
Identifiers: ClinVar variation 2034248 (VCV002034248.4), dbSNP rs1944049662, ClinGen allele CA385003542.